The following is an entry in ClinVar:

ClinVar aggregate classification (germline): Uncertain significance (1 of 4 stars; one submission).

gnomAD v4.1: 6 of 1,613,948 alleles (0.00037%); highest among the groups gnomAD compares: Non-Finnish European, 0.00025%; no homozygotes.

Submission:

Labcorp Genetics (formerly Invitae), Labcorp
Classification: Uncertain significance. Last evaluated: 2024-12-23. Review status: criteria provided, single submitter. Criteria: Invitae Variant Classification Sherloc (09022015). Collection method: clinical testing. Allele origin: germline.
Comment: This sequence change replaces serine, which is neutral and polar, with phenylalanine, which is neutral and non-polar, at codon 822 of the NEFH protein (p.Ser822Phe). This variant is present in population databases (no rsID available, gnomAD 0.01%). This variant has not been reported in the literature in individuals affected with NEFH-related conditions. Invitae Evidence Modeling of protein sequence and biophysical properties (such as structural, functional, and spatial information, amino acid conservation, physicochemical variation, residue mobility, and thermodynamic stability) indicates that this missense variant is not expected to disrupt NEFH protein function with a negative predictive value of 95%. In summary, the available evidence is currently insufficient to determine the role of this variant in disease. Therefore, it has been classified as a Variant of Uncertain Significance.

NM_021076.4(NEFH):c.2465C>T (p.Ser822Phe)

Gene: NEFH (neurofilament heavy chain; plus strand). Cytogenetic location: 22q12.2.
Variant type: single nucleotide variant.
Coding change: c.2465C>T on transcript NM_021076.4 (MANE Select); coding-DNA position 2465, C replaced by T.
Protein change: p.Ser822Phe; replaces serine 822 with phenylalanine.
Molecular consequence: missense variant.
Genome position (GRCh38, 1-based): chr22:29,490,105, C>T. VCF-style: chr22-29490105-C-T. GRCh37 (hg19) VCF-style: chr22-29886094-C-T.
Other names: short protein forms S822F.
Identifiers: ClinVar variation 3698178 (VCV003698178.2).